The following is an entry in ClinVar:

NM_007294.4(BRCA1):c.5152+2dup

Gene: BRCA1 (BRCA1 DNA repair associated; minus strand). Cytogenetic location: 17q21.31.
Variant type: Duplication.
Coding change: c.5152+2dup on transcript NM_007294.4 (MANE Select); the canonical splice donor site of the intron after coding-DNA position 5152, one base duplicated (T; older notation c.5152+2dupT).
Molecular consequence: splice donor variant. On other transcripts: intron variant (2).
Genome position (GRCh38, 1-based): chr17:43,063,872, A duplicated on the plus strand (T on the coding strand, the reverse complement: BRCA1 is on the minus strand). VCF-style (leftmost placement, unchanged base first): chr17-43063871-T-TA. GRCh37 (hg19) VCF-style: chr17-41215888-T-TA.
Other names: IVS18+2insT; c.1699+2dup (NM_001408458.1, NM_001408461.1, NM_001408464.1 and 7 more transcripts); c.4261+2dup (NM_001407967.1); c.4771+2dup (NM_001407959.1); c.4885+2dup (NM_001407931.1, NM_001407932.1, NM_001407928.1 and 4 more transcripts); c.5008+2dup (NM_001407747.1, NM_001407745.1, NM_001407737.1 and 21 more transcripts); c.4768+2dup (NM_001407962.1, NM_001407960.1); c.1339+2dup (NM_001408512.1); and 75 more.
Identifiers: ClinVar variation 55424 (VCV000055424.8), dbSNP rs397509231, ClinGen allele CA003283.

ClinVar aggregate classification (germline): Pathogenic/Likely pathogenic. Review status: criteria provided, multiple submitters, no conflicts (2 of 4 stars). 5 submissions from 5 submitters: Pathogenic (3); Likely pathogenic (1). 1 of the submissions does not count toward it. Last evaluated 2024-09-17.

Conditions:
BRCA1-related disorder. Also called: BRCA1-related condition.
Breast-ovarian cancer, familial, susceptibility to, 1 (BROVCA1). Also called: BRCA1 Hereditary Breast and Ovarian Cancer; OVARIAN CANCER, SUSCEPTIBILITY TO. Identifiers: Orphanet 145, MedGen C2676676, MONDO:0011450, OMIM 604370. Disease mechanism: loss of function.
Familial cancer of breast. Also called: hereditary breast carcinoma; BREAST CANCER, FAMILIAL; Hereditary breast cancer. Identifiers: Orphanet 227535, MedGen C0346153, MONDO:0016419, OMIM 114480. Disease mechanism: loss of function.
Fanconi anemia, complementation group S (FANCS). Identifiers: MedGen C4554406, MONDO:0054748, OMIM 617883.
Hereditary breast ovarian cancer syndrome. Also called: BRCA1- and BRCA2-Associated Hereditary Breast and Ovarian Cancer; Hereditary breast and ovarian cancer syndrome; Hereditary breast and ovarian cancer syndrome (HBOC); Breast and ovarian cancer; Hereditary breast and/or ovarian cancer syndrome; Hereditary breast and ovarian cancer. Identifiers: Orphanet 145, MedGen C0677776, MeSH D061325, MONDO:0003582. Disease mechanism: loss of function.

Submissions (5):

Blueprint Genetics
Classification: Pathogenic for BRCA1-related disorders. Last evaluated: 2024-09-17. Review status: criteria provided, single submitter. Criteria: ACMG Guidelines, 2015. Collection method: clinical testing. Allele origin: germline. Affected: yes. Observed: 1 variant allele.

Department of Pathology and Laboratory Medicine, Sinai Health System
Classification: Likely pathogenic for Familial cancer of breast; Breast-ovarian cancer, familial, susceptibility to, 1; Fanconi anemia, complementation group S. Last evaluated: 2024-08-13. Review status: criteria provided, single submitter. Criteria: ACMG Guidelines, 2015. Collection method: clinical testing. Allele origin: germline.

Labcorp Genetics (formerly Invitae), Labcorp
Classification: Pathogenic for Hereditary breast ovarian cancer syndrome. Last evaluated: 2023-08-11. Review status: criteria provided, single submitter. Criteria: Invitae Variant Classification Sherloc (09022015). Collection method: clinical testing. Allele origin: germline.
Comment: For these reasons, this variant has been classified as Pathogenic. This variant disrupts a region of the BRCA1 protein in which other variant(s) (p.Ser1715Arg) have been determined to be pathogenic (PMID: 11157798, 20516115, 30209399). This suggests that this is a clinically significant region of the protein, and that variants that disrupt it are likely to be disease-causing. Variants that disrupt the consensus splice site are a relatively common cause of aberrant splicing (PMID: 17576681, 9536098). Studies have shown that this variant results in skipping of exon 17, but is expected to preserve the integrity of the reading-frame (PMID: 29280214). ClinVar contains an entry for this variant (Variation ID: 55424). This variant has been observed in individual(s) with breast and/or ovarian cancer (PMID: 18489799, 31825140). This variant is not present in population databases (gnomAD no frequency). This sequence change falls in intron 17 of the BRCA1 gene. It does not directly change the encoded amino acid sequence of the BRCA1 protein. RNA analysis indicates that this variant induces altered splicing and likely results in a shortened protein product.

Consortium of Investigators of Modifiers of BRCA1/2 (CIMBA), c/o University of Cambridge
Classification: Pathogenic for Breast-ovarian cancer, familial, susceptibility to, 1. Last evaluated: 2015-10-02. Review status: criteria provided, single submitter. Criteria: CIMBA Mutation Classification guidelines May 2016. Collection method: clinical testing. Allele origin: germline.

Sharing Clinical Reports Project (SCRP)
Classification: Likely pathogenic for Breast-ovarian cancer, familial 1. Last evaluated: 2012-05-01. Review status: no assertion criteria provided. Collection method: clinical testing. Allele origin: germline. Not counted in ClinVar's aggregate classification.

Literature cited by the submitters: PubMed 30702160 (cited by Department of Pathology and Laboratory Medicine, Sinai Health System); PubMed 28294317 (cited by Department of Pathology and Laboratory Medicine, Sinai Health System); PubMed 18489799 (cited by Department of Pathology and Laboratory Medicine, Sinai Health System and Labcorp Genetics (formerly Invitae), Labcorp); PubMed 11157798 (cited by Labcorp Genetics (formerly Invitae), Labcorp); PubMed 20516115 (cited by Labcorp Genetics (formerly Invitae), Labcorp); PubMed 30209399 (cited by Labcorp Genetics (formerly Invitae), Labcorp); PubMed 17576681 (cited by Labcorp Genetics (formerly Invitae), Labcorp); PubMed 9536098 (cited by Labcorp Genetics (formerly Invitae), Labcorp); PubMed 29280214 (cited by Labcorp Genetics (formerly Invitae), Labcorp); PubMed 31825140 (cited by Labcorp Genetics (formerly Invitae), Labcorp).